The following is an entry in ClinVar:

ClinVar aggregate classification (germline): Uncertain significance (1 of 4 stars; one submission).

Conditions:
Familial cold autoinflammatory syndrome 3 (FCAS3). Also called: FAMILIAL ATYPICAL COLD URTICARIA; ANTIBODY DEFICIENCY AND IMMUNE DYSREGULATION, PLCG2-ASSOCIATED. Identifiers: Orphanet 300359, MedGen C3280914, MONDO:0013766, OMIM 614468.

Submission:

Labcorp Genetics (formerly Invitae), Labcorp
Classification: Uncertain significance for Familial cold autoinflammatory syndrome 3. Last evaluated: 2021-03-18. Review status: criteria provided, single submitter. Criteria: Invitae Variant Classification Sherloc (09022015). Collection method: clinical testing. Allele origin: germline.
Comment: In summary, the available evidence is currently insufficient to determine the role of this variant in disease. Therefore, it has been classified as a Variant of Uncertain Significance. Algorithms developed to predict the effect of sequence changes on RNA splicing suggest that this variant may create or strengthen a splice site, but this prediction has not been confirmed by published transcriptional studies. Algorithms developed to predict the effect of missense changes on protein structure and function are either unavailable or do not agree on the potential impact of this missense change (SIFT: "Tolerated"; PolyPhen-2: "Probably Damaging"; Align-GVGD: "Class C0"). This variant has not been reported in the literature in individuals with PLCG2-related conditions. This variant is not present in population databases (ExAC no frequency). This sequence change replaces proline with alanine at codon 939 of the PLCG2 protein (p.Pro939Ala). The proline residue is highly conserved and there is a small physicochemical difference between proline and alanine.

NM_002661.5(PLCG2):c.2815C>G (p.Pro939Ala)

Gene: PLCG2 (phospholipase C gamma 2; plus strand). Cytogenetic location: 16q23.3.
Variant type: single nucleotide variant.
Coding change: c.2815C>G on transcript NM_002661.5 (MANE Select); coding-DNA position 2815, C replaced by G.
Protein change: p.Pro939Ala; replaces proline 939 with alanine.
Molecular consequence: missense variant.
Genome position (GRCh38, 1-based): chr16:81,934,504, C>G. VCF-style: chr16-81934504-C-G. GRCh37 (hg19) VCF-style: chr16-81968109-C-G.
Other names: short protein forms P939A.
Identifiers: ClinVar variation 1361049 (VCV001361049.8), dbSNP rs2143721503, ClinGen allele CA396904747.
Genomic context (GRCh38, chr16:81,934,504, plus strand): 5'-TACTGGGAGAAGAACCAGTCCATCGCCATCGAGCTCTCTGACCTGGTTGTCTACTGCAAA[C>G]CAACCAGCAAAACCAAGGACAACTTAGGTAACATCTTTCCCAAGAACATGCCCTATAACT-3'
Protein context (NP_002652.2, residues 929-949): ELSDLVVYCK[Pro939Ala]TSKTKDNLEN